The following is an entry in ClinVar:

NM_001486.4(GCKR):c.151C>T (p.Arg51Ter)

Gene: GCKR (glucokinase regulator; plus strand). Cytogenetic location: 2p23.3.
Variant type: single nucleotide variant.
Coding change: c.151C>T on transcript NM_001486.4 (MANE Select); coding-DNA position 151, C replaced by T.
Protein change: p.Arg51Ter; replaces arginine 51 with a stop codon.
Molecular consequence: nonsense.
Genome position (GRCh38, 1-based): chr2:27,497,334, C>T. VCF-style: chr2-27497334-C-T. GRCh37 (hg19) VCF-style: chr2-27720201-C-T.
Other names: short protein forms R51*.
Identifiers: ClinVar variation 265524 (VCV000265524.5), dbSNP rs375836361, ClinGen allele CA1581443.

ClinVar aggregate classification (germline): Uncertain significance. Review status: criteria provided, multiple submitters, no conflicts (2 of 4 stars). 3 submissions from 3 submitters: Uncertain significance (3). Last evaluated 2026-10-13.

Conditions:
FASTING PLASMA GLUCOSE LEVEL QUANTITATIVE TRAIT LOCUS 5 (FGQTL5). Identifiers: MedGen C3150714, OMIM 613463.

Allele frequency attached by ClinVar (database versions not stated): gnomAD 0.00009 and 0.00007; TOPMed 0.00012; ESP Exome Variant Server 0.00008.
gnomAD v4.1: 55 of 1,614,000 alleles (0.0034%); highest among the groups gnomAD compares: African/African-American, 0.035%; no homozygotes.

Submissions (3):

GeneDx
Classification: Uncertain significance. Last evaluated: 2026-10-13. Review status: criteria provided, single submitter. Criteria: GeneDx Variant Classification Process June 2021. Collection method: clinical testing. Allele origin: germline.
Comment: Identified in a patient with multiple endocrine neoplasia type 1, who also harbored a variant in another gene that may have contributed to phenotype (PMID: 33334800); Nonsense variant predicted to result in protein truncation or nonsense mediated decay in a gene or region of a gene for which loss of function is not a well-established mechanism of disease; This variant is associated with the following publications: (PMID: 31589614, 33334800)

Department of Pathology and Laboratory Medicine, Sinai Health System
Classification: Uncertain significance for FASTING PLASMA GLUCOSE LEVEL QUANTITATIVE TRAIT LOCUS 5. Last evaluated: 2022-12-05. Review status: criteria provided, single submitter. Criteria: ACMG Guidelines, 2015. Collection method: research. Allele origin: germline.

AiLife Diagnostics
Classification: Uncertain significance. Last evaluated: 2021-12-08. Review status: criteria provided, single submitter. Criteria: ACMG Guidelines, 2015. Collection method: clinical testing. Allele origin: germline. Affected: yes. Observed: 1 variant allele.

Literature cited by the submitters: PubMed 31589614 (cited by AiLife Diagnostics).